The following is an entry in ClinVar:

NM_001184880.2(PCDH19):c.1639G>C (p.Ala547Pro)

Gene: PCDH19 (protocadherin 19; minus strand). Cytogenetic location: Xq22.1.
Variant type: single nucleotide variant.
Coding change: c.1639G>C on transcript NM_001184880.2 (MANE Select); coding-DNA position 1639, G replaced by C.
Protein change: p.Ala547Pro; replaces alanine 547 with proline.
Molecular consequence: missense variant.
Genome position (GRCh38, 1-based): chrX:100,406,959, C>G on the plus strand (G>C on the coding strand, the complement: PCDH19 is on the minus strand). VCF-style: chrX-100406959-C-G. GRCh37 (hg19) VCF-style: chrX-99661957-C-G.
Other names: c.1639G>C, p.Ala547Pro (NM_001105243.2, NM_020766.3); short protein forms A547P.
Identifiers: ClinVar variation 947530 (VCV000947530.13), dbSNP rs1928375454, ClinGen allele CA414002281.

ClinVar aggregate classification (germline): Conflicting classifications of pathogenicity. Review status: criteria provided, conflicting classifications (1 of 4 stars). 3 submissions from 3 submitters: Likely pathogenic (2); Uncertain significance (1). Last evaluated 2022-12-02.

Conditions:
Developmental and epileptic encephalopathy, 9 (DEE9). Also called: Early infantile epileptic encephalopathy 9; EPILEPSY, FEMALE-RESTRICTED, WITH MENTAL RETARDATION; JUBERG-HELLMAN SYNDROME; PCDH19-Related X-Linked Female-Limited Epilepsy with Mental Retardation. Identifiers: Orphanet 101039, Orphanet 2076, MedGen C1848137, MONDO:0010246, OMIM 300088. Disease mechanism: loss of function.

Submissions (3):

Labcorp Genetics (formerly Invitae), Labcorp
Classification: Uncertain significance for Developmental and epileptic encephalopathy, 9. Last evaluated: 2022-12-02. Review status: criteria provided, single submitter. Criteria: Invitae Variant Classification Sherloc (09022015). Collection method: clinical testing. Allele origin: germline.
Comment: Algorithms developed to predict the effect of missense changes on protein structure and function (SIFT, PolyPhen-2, Align-GVGD) all suggest that this variant is likely to be disruptive. ClinVar contains an entry for this variant (Variation ID: 947530). This variant has not been reported in the literature in individuals affected with PCDH19-related conditions. This variant is not present in population databases (gnomAD no frequency). This sequence change replaces alanine, which is neutral and non-polar, with proline, which is neutral and non-polar, at codon 547 of the PCDH19 protein (p.Ala547Pro). In summary, the available evidence is currently insufficient to determine the role of this variant in disease. Therefore, it has been classified as a Variant of Uncertain Significance.

Pediatric Department, Peking University First Hospital
Classification: Likely pathogenic for Developmental and epileptic encephalopathy, 9. Last evaluated: 2022-06-01. Review status: criteria provided, single submitter. Criteria: ACMG Guidelines, 2015. Collection method: research. Allele origin: de novo. Affected: yes.

Institute of Medical Genetics and Applied Genomics, University Hospital Tübingen
Classification: Likely pathogenic. Last evaluated: 2021-06-17. Review status: criteria provided, single submitter. Criteria: ACMG Guidelines, 2015. Collection method: clinical testing. Allele origin: germline. Inheritance: Unknown mechanism. Affected: yes.

Literature cited by the submitters: PubMed 31031587 (cited by Pediatric Department, Peking University First Hospital).